The following is an entry in ClinVar:

NM_000290.4(PGAM2):c.511A>C (p.Ile171Leu)

Genes: DBNL (drebrin like; plus strand), PGAM2 (phosphoglycerate mutase 2; minus strand), LOC129998341 (ATAC-STARR-seq lymphoblastoid active region 25924; plus strand). Cytogenetic location: 7p13.
Variant type: single nucleotide variant.
Coding change: c.511A>C on transcript NM_000290.4 (MANE Select); coding-DNA position 511, A replaced by C.
Protein change: p.Ile171Leu; replaces isoleucine 171 with leucine.
Molecular consequence: missense variant. On other transcripts: 3 prime UTR variant (6).
Genome position (GRCh38, 1-based): chr7:44,064,916, T>G on the plus strand (A>C on the coding strand, the complement: PGAM2 is on the minus strand). VCF-style: chr7-44064916-T-G. GRCh37 (hg19) VCF-style: chr7-44104515-T-G.
Other names: c.*4000T>G (NM_001014436.3, NM_001122956.2, NM_001284313.2 and 3 more transcripts); short protein forms I171L.
Identifiers: ClinVar variation 911379 (VCV000911379.10), dbSNP rs372452057, ClinGen allele CA4236552.

ClinVar aggregate classification (germline): Uncertain significance. Review status: criteria provided, multiple submitters, no conflicts (2 of 4 stars). 4 submissions from 4 submitters: Uncertain significance (4). Last evaluated 2025-02-07.

Conditions:
Glycogen storage disease type X (GSD10). Also called: Glycogen storage disease due to phosphoglycerate mutase deficiency; GSD X; MYOPATHY DUE TO PHOSPHOGLYCERATE MUTASE DEFICIENCY; PGAMM DEFICIENCY; PHOSPHOGLYCERATE MUTASE, MUSCLE, DEFICIENCY OF; Dimauro disease. Identifiers: Orphanet 97234, MedGen C0268149, MONDO:0009865, OMIM 261670.
Inborn genetic diseases. Identifiers: MedGen C0950123, MeSH D030342.

Allele frequency attached by ClinVar (database versions not stated): ESP Exome Variant Server 0.00015; 1000 Genomes Project 30x 0.00016; 1000 Genomes Project 0.00020; TOPMed 0.00007.
gnomAD v4.1: 48 of 1,609,168 alleles (0.003%); highest among the groups gnomAD compares: Admixed American, 0.022%; no homozygotes.

Submissions (4):

Ambry Genetics
Classification: Uncertain significance for Inborn genetic diseases. Last evaluated: 2025-02-07. Review status: criteria provided, single submitter. Criteria: Ambry Variant Classification Scheme 2023. Collection method: clinical testing. Allele origin: germline.

GeneDx
Classification: Uncertain significance. Last evaluated: 2024-01-17. Review status: criteria provided, single submitter. Criteria: GeneDx Variant Classification Process June 2021. Collection method: clinical testing. Allele origin: germline. Affected: yes.
Comment: In silico analysis supports that this missense variant does not alter protein structure/function; Has not been previously published as pathogenic or benign to our knowledge

Labcorp Genetics (formerly Invitae), Labcorp
Classification: Uncertain significance for Glycogen storage disease type X. Last evaluated: 2023-11-02. Review status: criteria provided, single submitter. Criteria: Invitae Variant Classification Sherloc (09022015). Collection method: clinical testing. Allele origin: germline.
Comment: This sequence change replaces isoleucine, which is neutral and non-polar, with leucine, which is neutral and non-polar, at codon 171 of the PGAM2 protein (p.Ile171Leu). This variant is present in population databases (rs372452057, gnomAD 0.03%). This variant has not been reported in the literature in individuals affected with PGAM2-related conditions. ClinVar contains an entry for this variant (Variation ID: 911379). Advanced modeling of protein sequence and biophysical properties (such as structural, functional, and spatial information, amino acid conservation, physicochemical variation, residue mobility, and thermodynamic stability) performed at Invitae indicates that this missense variant is not expected to disrupt PGAM2 protein function with a negative predictive value of 80%. In summary, the available evidence is currently insufficient to determine the role of this variant in disease. Therefore, it has been classified as a Variant of Uncertain Significance.

Illumina Laboratory Services, Illumina
Classification: Uncertain significance for Glycogen storage disease type X. Last evaluated: 2018-01-12. Review status: criteria provided, single submitter. Criteria: ICSL Variant Classification Criteria 13 December 2019. Collection method: clinical testing. Allele origin: germline.